The following is an entry in ClinVar:

NM_005477.3(HCN4):c.271G>A (p.Gly91Ser)

Gene: HCN4 (hyperpolarization activated cyclic nucleotide gated potassium channel 4; minus strand). Cytogenetic location: 15q24.1.
Variant type: single nucleotide variant.
Coding change: c.271G>A on transcript NM_005477.3 (MANE Select); coding-DNA position 271, G replaced by A.
Protein change: p.Gly91Ser; replaces glycine 91 with serine.
Molecular consequence: missense variant.
Genome position (GRCh38, 1-based): chr15:73,368,000, C>T on the plus strand (G>A on the coding strand, the complement: HCN4 is on the minus strand). VCF-style: chr15-73368000-C-T. GRCh37 (hg19) VCF-style: chr15-73660341-C-T.
Other names: c.271G>A (NM_005477.2); short protein forms G91S.
Identifiers: ClinVar variation 2917789 (VCV002917789.4), dbSNP rs746252218, ClinGen allele CA7649491.

ClinVar aggregate classification (germline): Uncertain significance. Review status: criteria provided, multiple submitters, no conflicts (2 of 4 stars). 2 submissions from 2 submitters: Uncertain significance (2). Last evaluated 2024-04-09.

Conditions:
Brugada syndrome 8 (BRGDA8). Identifiers: Orphanet 130, MedGen C2751083, MONDO:0013148, OMIM 613123.
Cardiovascular phenotype. Identifiers: MedGen CN230736.

Allele frequency attached by ClinVar (database versions not stated): TOPMed below 0.00001.
gnomAD v4.1: 8 of 1,374,234 alleles (0.00058%); highest among the groups gnomAD compares: East Asian, 0.019%; no homozygotes.

Submissions (2):

Ambry Genetics
Classification: Uncertain significance for Cardiovascular phenotype. Last evaluated: 2024-04-09. Review status: criteria provided, single submitter. Criteria: Ambry Variant Classification Scheme 2023. Collection method: clinical testing. Allele origin: germline.

Labcorp Genetics (formerly Invitae), Labcorp
Classification: Uncertain significance for Brugada syndrome 8. Last evaluated: 2023-10-09. Review status: criteria provided, single submitter. Criteria: Invitae Variant Classification Sherloc (09022015). Collection method: clinical testing. Allele origin: germline.
Comment: This sequence change replaces glycine, which is neutral and non-polar, with serine, which is neutral and polar, at codon 91 of the HCN4 protein (p.Gly91Ser). This variant is not present in population databases (gnomAD no frequency). This variant has not been reported in the literature in individuals affected with HCN4-related conditions. Advanced modeling of protein sequence and biophysical properties (such as structural, functional, and spatial information, amino acid conservation, physicochemical variation, residue mobility, and thermodynamic stability) performed at Invitae indicates that this missense variant is not expected to disrupt HCN4 protein function. In summary, the available evidence is currently insufficient to determine the role of this variant in disease. Therefore, it has been classified as a Variant of Uncertain Significance.